The following is an entry in ClinVar:

NM_001105206.3(LAMA4):c.3708A>T (p.Arg1236Ser)

Gene: LAMA4 (laminin subunit alpha 4; minus strand). Cytogenetic location: 6q21.
Variant type: single nucleotide variant.
Coding change: c.3708A>T on transcript NM_001105206.3 (MANE Select); coding-DNA position 3708, A replaced by T.
Protein change: p.Arg1236Ser; replaces arginine 1236 with serine.
Molecular consequence: missense variant.
Genome position (GRCh38, 1-based): chr6:112,132,879, T>A on the plus strand (A>T on the coding strand, the complement: LAMA4 is on the minus strand). VCF-style: chr6-112132879-T-A. GRCh37 (hg19) VCF-style: chr6-112454081-T-A.
Other names: c.3687A>T, p.Arg1229Ser (NM_001105207.3, NM_002290.5); short protein forms R1229S, R1236S.
Identifiers: ClinVar variation 1330881 (VCV001330881.7), dbSNP rs2114656750, ClinGen allele CA365375255.

ClinVar aggregate classification (germline): Uncertain significance (1 of 4 stars; one submission).

Conditions:
Dilated cardiomyopathy 1JJ (CMD1JJ). Identifiers: Orphanet 154, MedGen C3808935, MONDO:0014095, OMIM 615235.

Submission:

ARUP Laboratories, Molecular Genetics and Genomics, ARUP Laboratories
Classification: Uncertain significance for Dilated cardiomyopathy 1JJ. Last evaluated: 2020-12-14. Review status: criteria provided, single submitter. Criteria: ARUP Molecular Germline Variant Investigation Process 2021. Collection method: clinical testing. Allele origin: germline.
Comment: The LAMA4 c.3687A>T; p.Arg1229Ser variant, to our knowledge, is not reported in the medical literature or gene-specific databases. This variant is also absent from general population databases (Exome Variant Server, Genome Aggregation Database), indicating it is not a common polymorphism. The arginine at codon 1229 is weakly conserved, and computational analyses are uncertain whether this variant is neutral or deleterious (REVEL: 0.171). Due to limited information, the clinical significance of the p.Arg1229Ser variant is uncertain at this time.